The following is an entry in ClinVar:

ClinVar aggregate classification (germline): Uncertain significance. Review status: criteria provided, multiple submitters, no conflicts (2 of 4 stars). 2 submissions from 2 submitters: Uncertain significance (2). Last evaluated 2025-02-05.

Conditions:
Hereditary cancer-predisposing syndrome. Also called: Neoplastic Syndromes, Hereditary; Tumor predisposition; Hereditary Cancer Syndrome; Hereditary neoplastic syndrome. Identifiers: Orphanet 140162, MedGen C0027672, MeSH D009386, MONDO:0015356.

Allele frequency attached by ClinVar (database versions not stated): gnomAD exomes below 0.00001; TOPMed below 0.00001; gnomAD 0.00001.
gnomAD v4.1: 3 of 1,613,882 alleles (0.00019%); highest among the groups gnomAD compares: South Asian, 0.0011%; no homozygotes.

Submissions (2):

Ambry Genetics
Classification: Uncertain significance for Hereditary cancer-predisposing syndrome. Last evaluated: 2025-02-05. Review status: criteria provided, single submitter. Criteria: Ambry Variant Classification Scheme 2023. Collection method: clinical testing. Allele origin: germline.
Comment: The p.A592V variant (also known as c.1775C>T), located in coding exon 13 of the MSH3 gene, results from a C to T substitution at nucleotide position 1775. The alanine at codon 592 is replaced by valine, an amino acid with similar properties. This amino acid position is conserved. In addition, this alteration is predicted to be tolerated by in silico analysis. Since supporting evidence is limited at this time, the clinical significance of this alteration remains unclear.

Labcorp Genetics (formerly Invitae), Labcorp
Classification: Uncertain significance. Last evaluated: 2024-02-27. Review status: criteria provided, single submitter. Criteria: Invitae Variant Classification Sherloc (09022015). Collection method: clinical testing. Allele origin: germline.
Comment: This sequence change replaces alanine, which is neutral and non-polar, with valine, which is neutral and non-polar, at codon 592 of the MSH3 protein (p.Ala592Val). This variant is present in population databases (no rsID available, gnomAD 0.003%). This variant has not been reported in the literature in individuals affected with MSH3-related conditions. ClinVar contains an entry for this variant (Variation ID: 1779864). An algorithm developed to predict the effect of missense changes on protein structure and function (PolyPhen-2) suggests that this variant is likely to be disruptive. In summary, the available evidence is currently insufficient to determine the role of this variant in disease. Therefore, it has been classified as a Variant of Uncertain Significance.

NM_002439.5(MSH3):c.1775C>T (p.Ala592Val)

Gene: MSH3 (mutS homolog 3; plus strand). Cytogenetic location: 5q14.1.
Variant type: single nucleotide variant.
Coding change: c.1775C>T on transcript NM_002439.5 (MANE Select); coding-DNA position 1775, C replaced by T.
Protein change: p.Ala592Val; replaces alanine 592 with valine.
Molecular consequence: missense variant.
Genome position (GRCh38, 1-based): chr5:80,761,557, C>T. VCF-style: chr5-80761557-C-T. GRCh37 (hg19) VCF-style: chr5-80057376-C-T.
Other names: short protein forms A592V.
Identifiers: ClinVar variation 1779864 (VCV001779864.8), dbSNP rs1381008649, ClinGen allele CA360276495.
Genomic context (GRCh38, chr5:80,761,557, plus strand): 5'-TTCTGAATTCCTAACATATCTGATTATTGCTATTACTCTTTTCTCACAGGGAAATAAATG[C>T]CCGGCTTGATGCTGTATCGGAAGTTCTCCATTCAGAATCTAGTGTGTTTGGTCAGATAGA-3'
Protein context (NP_002430.3, residues 582-602): QPLLKLREIN[Ala592Val]RLDAVSEVLH